The following is an entry in ClinVar:

NM_001161352.2(KCNMA1):c.12_20dup (p.Gly10_Ser11insGlyGlyGly)

Gene: KCNMA1 (potassium calcium-activated channel subfamily M alpha 1; minus strand). Cytogenetic location: 10q22.3.
Variant type: Duplication.
Coding change: c.12_20dup on transcript NM_001161352.2 (MANE Select); coding-DNA positions 12 to 20, 9 bases duplicated (TGGCGGCGG; older notation c.12_20dupTGGCGGCGG).
Protein change: p.Gly10_Ser11insGlyGlyGly.
Molecular consequence: inframe insertion.
Genome position (GRCh38, 1-based): chr10:77,637,623-77,637,631, CCGCCGCCA duplicated on the plus strand (TGGCGGCGG on the coding strand, the reverse complement: KCNMA1 is on the minus strand); duplicating any 9 consecutive bases within chr10:77,637,623-77,637,633 gives the same sequence; the c. name uses the placement nearest the transcript's 3' end. VCF-style (leftmost placement, unchanged base first): chr10-77637622-G-GCCGCCGCCA. GRCh37 (hg19) VCF-style: chr10-79397380-G-GCCGCCGCCA.
Other names: c.12_20dup, p.Gly10_Ser11insGlyGlyGly (NM_001014797.3, NM_001161353.2, NM_001271518.2 and 13 more transcripts).
Identifiers: ClinVar variation 2974335 (VCV002974335.3), dbSNP rs2552275487, ClinGen allele CA2740093040.

ClinVar aggregate classification (germline): Uncertain significance (1 of 4 stars; one submission).

Conditions:
Generalized epilepsy-paroxysmal dyskinesia syndrome (PNKD3). Also called: Paroxysmal nonkinesigenic dyskinesia, 3, with or without generalized epilepsy; Generalized epilepsy and paroxysmal dyskinesia. Identifiers: Orphanet 79137, MedGen C5574945, MONDO:0012276, OMIM 609446.

Submission:

Labcorp Genetics (formerly Invitae), Labcorp
Classification: Uncertain significance for Generalized epilepsy-paroxysmal dyskinesia syndrome. Last evaluated: 2025-07-21. Review status: criteria provided, single submitter. Criteria: Invitae Variant Classification Sherloc (09022015). Collection method: clinical testing. Allele origin: germline.
Comment: This variant, c.12_20dup, results in the insertion of 3 amino acid(s) of the KCNMA1 protein (p.Gly8_Gly10dup), but otherwise preserves the integrity of the reading frame. This variant is not present in population databases (gnomAD no frequency). This variant has not been reported in the literature in individuals affected with KCNMA1-related conditions. ClinVar contains an entry for this variant (Variation ID: 2974335). Experimental studies and prediction algorithms are not available or were not evaluated, and the functional significance of this variant is currently unknown. In summary, the available evidence is currently insufficient to determine the role of this variant in disease. Therefore, it has been classified as a Variant of Uncertain Significance.